The following is an entry in ClinVar:

ClinVar aggregate classification (germline): Uncertain significance (1 of 4 stars; one submission).

gnomAD v4.1: 1 of 1,610,488 alleles (0.000062%); highest among the groups gnomAD compares: South Asian, 0.0011%; no homozygotes.

Submission:

CeGaT Center for Human Genetics Tuebingen
Classification: Uncertain significance. Last evaluated: 2025-02-01. Review status: criteria provided, single submitter. Criteria: CeGaT Center For Human Genetics Tuebingen Variant Classification Criteria Version 2. Collection method: clinical testing. Allele origin: germline. Affected: yes. Observed: 1 variant allele.
Comment: FGFR3: PM2:Supporting, PP2

NM_000142.5(FGFR3):c.629A>G (p.Gln210Arg)

Gene: FGFR3 (fibroblast growth factor receptor 3; plus strand). Cytogenetic location: 4p16.3.
Variant type: single nucleotide variant.
Coding change: c.629A>G on transcript NM_000142.5 (MANE Select); coding-DNA position 629, A replaced by G.
Protein change: p.Gln210Arg; replaces glutamine 210 with arginine.
Molecular consequence: missense variant. On other transcripts: non-coding transcript variant (1).
Genome position (GRCh38, 1-based): chr4:1,801,633, A>G. VCF-style: chr4-1801633-A-G. GRCh37 (hg19) VCF-style: chr4-1803360-A-G.
Other names: c.629A>G, p.Gln210Arg (NM_001163213.2, NM_001354809.2, NM_001354810.2 and 1 more transcripts); short protein forms Q210R.
Identifiers: ClinVar variation 3772579 (VCV003772579.13).